The following is an entry in ClinVar:

NM_001429.4(EP300):c.5911C>T (p.Pro1971Ser)

Gene: EP300 (EP300 lysine acetyltransferase; plus strand). Cytogenetic location: 22q13.2.
Variant type: single nucleotide variant.
Coding change: c.5911C>T on transcript NM_001429.4 (MANE Select); coding-DNA position 5911, C replaced by T.
Protein change: p.Pro1971Ser; replaces proline 1971 with serine.
Molecular consequence: missense variant.
Genome position (GRCh38, 1-based): chr22:41,177,622, C>T. VCF-style: chr22-41177622-C-T. GRCh37 (hg19) VCF-style: chr22-41573626-C-T.
Other names: c.5911C>T (NM_001429.3); c.5833C>T, p.Pro1945Ser (NM_001362843.2); short protein forms P1945S, P1971S.
Identifiers: ClinVar variation 2902060 (VCV002902060.17), dbSNP rs772034350, ClinGen allele CA10253736.
Genomic context (GRCh38, chr22:41,177,622, plus strand): 5'-CCAATCCAACACCAGATGCCCCCGATGACTCCCATGGCCCCCATGGGTATGAACCCACCT[C>T]CCATGACCAGAGGTCCCAGTGGGCATTTGGAGCCAGGGATGGGACCGACAGGGATGCAGC-3'
Protein context (NP_001420.2, residues 1961-1981): PMAPMGMNPP[Pro1971Ser]MTRGPSGHLE

ClinVar aggregate classification (germline): Benign/Likely benign. Review status: criteria provided, multiple submitters, no conflicts (2 of 4 stars). 3 submissions from 3 submitters: Benign (1); Likely benign (2). Last evaluated 2025-06-13.

Conditions:
Rubinstein-Taybi syndrome due to EP300 haploinsufficiency. Also called: RUBINSTEIN-TAYBI SYNDROME 2; EP300-Related Rubinstein-Taybi Syndrome. Identifiers: Orphanet 353284, Orphanet 783, MedGen C3150941, MONDO:0013364, OMIM 613684.
Inborn genetic diseases. Identifiers: MedGen C0950123, MeSH D030342.

Allele frequency attached by ClinVar (database versions not stated): TOPMed below 0.00001; gnomAD 0.00001; ExAC 0.00002; gnomAD exomes 0.00002.
gnomAD v4.1: 36 of 1,614,024 alleles (0.0022%); highest among the groups gnomAD compares: Middle Eastern, 0.016%; no homozygotes.

Submissions (3):

Labcorp Genetics (formerly Invitae), Labcorp
Classification: Benign for Rubinstein-Taybi syndrome due to EP300 haploinsufficiency. Last evaluated: 2025-06-13. Review status: criteria provided, single submitter. Criteria: Invitae Variant Classification Sherloc (09022015). Collection method: clinical testing. Allele origin: germline.

CeGaT Center for Human Genetics Tuebingen
Classification: Likely benign. Last evaluated: 2024-12-01. Review status: criteria provided, single submitter. Criteria: CeGaT Center For Human Genetics Tuebingen Variant Classification Criteria Version 2. Collection method: clinical testing. Allele origin: germline. Affected: yes. Observed: 1 variant allele.
Comment: EP300: BP4

Ambry Genetics
Classification: Likely benign for Inborn genetic diseases. Last evaluated: 2024-02-05. Review status: criteria provided, single submitter. Criteria: Ambry Variant Classification Scheme 2023. Collection method: clinical testing. Allele origin: germline.